The following is an entry in ClinVar:

NM_003924.4(PHOX2B):c.695C>T (p.Pro232Leu)

Gene: PHOX2B (paired like homeobox 2B; minus strand). Cytogenetic location: 4p13.
Variant type: single nucleotide variant.
Coding change: c.695C>T on transcript NM_003924.4 (MANE Select); coding-DNA position 695, C replaced by T.
Protein change: p.Pro232Leu; replaces proline 232 with leucine.
Molecular consequence: missense variant.
Genome position (GRCh38, 1-based): chr4:41,746,057, G>A on the plus strand (C>T on the coding strand, the complement: PHOX2B is on the minus strand). VCF-style: chr4-41746057-G-A. GRCh37 (hg19) VCF-style: chr4-41748074-G-A.
Other names: short protein forms P232L.
Identifiers: ClinVar variation 2797241 (VCV002797241.3), dbSNP rs2552096833, ClinGen allele CA356737362.

ClinVar aggregate classification (germline): Uncertain significance (1 of 4 stars; one submission).

Conditions:
Haddad syndrome (OHD). Also called: Ondine-Hirschsprung disease. Identifiers: Orphanet 99803, MedGen C1859049, MONDO:0020493.

Submission:

Labcorp Genetics (formerly Invitae), Labcorp
Classification: Uncertain significance for Haddad syndrome. Last evaluated: 2023-02-06. Review status: criteria provided, single submitter. Criteria: Invitae Variant Classification Sherloc (09022015). Collection method: clinical testing. Allele origin: germline.
Comment: In summary, the available evidence is currently insufficient to determine the role of this variant in disease. Therefore, it has been classified as a Variant of Uncertain Significance. This sequence change replaces proline, which is neutral and non-polar, with leucine, which is neutral and non-polar, at codon 232 of the PHOX2B protein (p.Pro232Leu). This variant is not present in population databases (gnomAD no frequency). This variant has not been reported in the literature in individuals affected with PHOX2B-related conditions. Advanced modeling of protein sequence and biophysical properties (such as structural, functional, and spatial information, amino acid conservation, physicochemical variation, residue mobility, and thermodynamic stability) performed at Invitae indicates that this missense variant is not expected to disrupt PHOX2B protein function.